The following is an entry in ClinVar:

NM_032608.7(MYO18B):c.4174C>T (p.Gln1392Ter)

Gene: MYO18B (myosin XVIIIB; plus strand). Cytogenetic location: 22q12.1.
Variant type: single nucleotide variant.
Coding change: c.4174C>T on transcript NM_032608.7 (MANE Select); coding-DNA position 4174, C replaced by T.
Protein change: p.Gln1392Ter; replaces glutamine 1392 with a stop codon.
Molecular consequence: nonsense.
Genome position (GRCh38, 1-based): chr22:25,876,282, C>T. VCF-style: chr22-25876282-C-T. GRCh37 (hg19) VCF-style: chr22-26272249-C-T.
Other names: c.4177C>T, p.Gln1393Ter (NM_001318245.2); short protein forms Q1392*, Q1393*.
Identifiers: ClinVar variation 2705411 (VCV002705411.3), dbSNP rs757071771, ClinGen allele CA10160783.
Genomic context (GRCh38, chr22:25,876,282, plus strand): 5'-AATGTGGCTGTGTTCCTCGCAGTCAAGGACTGGCCATGGTGGCAGCTGCTTGGTTCCCTC[C>T]AGCCTCTACTTAGTGCCACCATTGGAACTGAGCAGCTCCGAGCCAAGGAGGTCAGTCTAT-3'

ClinVar aggregate classification (germline): Pathogenic (1 of 4 stars; one submission).

gnomAD v4.1: 2 of 1,613,518 alleles (0.00012%); highest among the groups gnomAD compares: Non-Finnish European, 0.00017%; no homozygotes.

Submission:

Labcorp Genetics (formerly Invitae), Labcorp
Classification: Pathogenic. Last evaluated: 2024-07-11. Review status: criteria provided, single submitter. Criteria: Invitae Variant Classification Sherloc (09022015). Collection method: clinical testing. Allele origin: germline.
Comment: This sequence change creates a premature translational stop signal (p.Gln1392*) in the MYO18B gene. It is expected to result in an absent or disrupted protein product. Loss-of-function variants in MYO18B are known to be pathogenic (PMID: 25748484, 32184166, 32637634). This variant is present in population databases (rs757071771, gnomAD 0.0009%). This variant has not been reported in the literature in individuals affected with MYO18B-related conditions. For these reasons, this variant has been classified as Pathogenic.

Literature cited by the submitters: PubMed 25748484; PubMed 32184166; PubMed 32637634.